The following is an entry in ClinVar:

ClinVar aggregate classification (germline): Uncertain significance (1 of 4 stars; one submission).

Allele frequency attached by ClinVar (database versions not stated): gnomAD exomes below 0.00001; TOPMed below 0.00001.
gnomAD v4.1: 12 of 1,614,178 alleles (0.00074%); highest among the groups gnomAD compares: African/African-American, 0.0013%; no homozygotes.

Submission:

Labcorp Genetics (formerly Invitae), Labcorp
Classification: Uncertain significance. Last evaluated: 2021-04-06. Review status: criteria provided, single submitter. Criteria: Invitae Variant Classification Sherloc (09022015). Collection method: clinical testing. Allele origin: germline.
Comment: This sequence change replaces alanine with glycine at codon 433 of the MCM5 protein (p.Ala433Gly). The alanine residue is highly conserved and there is a small physicochemical difference between alanine and glycine. This variant is not present in population databases (ExAC no frequency). This variant has not been reported in the literature in individuals with MCM5-related conditions. Algorithms developed to predict the effect of missense changes on protein structure and function (SIFT, PolyPhen-2, Align-GVGD) all suggest that this variant is likely to be disruptive, but these predictions have not been confirmed by published functional studies and their clinical significance is uncertain. In summary, the available evidence is currently insufficient to determine the role of this variant in disease. Therefore, it has been classified as a Variant of Uncertain Significance.

NM_006739.4(MCM5):c.1298C>G (p.Ala433Gly)

Gene: MCM5 (minichromosome maintenance complex component 5; plus strand). Cytogenetic location: 22q12.3.
Variant type: single nucleotide variant.
Coding change: c.1298C>G on transcript NM_006739.4 (MANE Select); coding-DNA position 1298, C replaced by G.
Protein change: p.Ala433Gly; replaces alanine 433 with glycine.
Molecular consequence: missense variant.
Genome position (GRCh38, 1-based): chr22:35,415,923, C>G. VCF-style: chr22-35415923-C-G. GRCh37 (hg19) VCF-style: chr22-35811916-C-G.
Other names: short protein forms A433G.
Identifiers: ClinVar variation 1383686 (VCV001383686.8), dbSNP rs1321850305, ClinGen allele CA411346807.